The following is an entry in ClinVar:

NM_020738.4(KIDINS220):c.2882A>G (p.Asn961Ser)

Gene: KIDINS220 (kinase D interacting substrate 220; minus strand). Cytogenetic location: 2p25.1.
Variant type: single nucleotide variant.
Coding change: c.2882A>G on transcript NM_020738.4 (MANE Select); coding-DNA position 2882, A replaced by G.
Protein change: p.Asn961Ser; replaces asparagine 961 with serine.
Molecular consequence: missense variant. On other transcripts: non-coding transcript variant (2).
Genome position (GRCh38, 1-based): chr2:8,770,799, T>C on the plus strand (A>G on the coding strand, the complement: KIDINS220 is on the minus strand). VCF-style: chr2-8770799-T-C. GRCh37 (hg19) VCF-style: chr2-8910929-T-C.
Other names: c.2885A>G, p.Asn962Ser (NM_001348729.2, NM_001348731.2, NM_001348734.2 and 3 more transcripts); c.2882A>G, p.Asn961Ser (NM_001348732.2, NM_001348735.2, NM_001348738.2 and 3 more transcripts); c.2756A>G, p.Asn919Ser (NM_001348736.2); short protein forms N919S, N961S, N962S.
Identifiers: ClinVar variation 1939085 (VCV001939085.5), dbSNP rs540694621, ClinGen allele CA1519853.

ClinVar aggregate classification (germline): Uncertain significance (1 of 4 stars; one submission).

Allele frequency attached by ClinVar (database versions not stated): ExAC 0.00001; TOPMed 0.00001; gnomAD 0.00004; 1000 Genomes Project 0.00020; 1000 Genomes Project 30x 0.00031.
gnomAD v4.1: 13 of 1,610,668 alleles (0.00081%); highest among the groups gnomAD compares: African/African-American, 0.0053%; no homozygotes.

Submission:

Labcorp Genetics (formerly Invitae), Labcorp
Classification: Uncertain significance. Last evaluated: 2022-10-31. Review status: criteria provided, single submitter. Criteria: Invitae Variant Classification Sherloc (09022015). Collection method: clinical testing. Allele origin: germline.
Comment: This sequence change replaces asparagine, which is neutral and polar, with serine, which is neutral and polar, at codon 961 of the KIDINS220 protein (p.Asn961Ser). The frequency data for this variant in the population databases is considered unreliable, as metrics indicate poor data quality at this position in the gnomAD database. This variant has not been reported in the literature in individuals affected with KIDINS220-related conditions. Algorithms developed to predict the effect of missense changes on protein structure and function (SIFT, PolyPhen-2, Align-GVGD) all suggest that this variant is likely to be tolerated. In summary, the available evidence is currently insufficient to determine the role of this variant in disease. Therefore, it has been classified as a Variant of Uncertain Significance.